The following is an entry in ClinVar:

ClinVar aggregate classification (germline): Uncertain significance. Review status: criteria provided, multiple submitters, no conflicts (2 of 4 stars). 2 submissions from 2 submitters: Uncertain significance (2). Last evaluated 2026-03-09.

Allele frequency attached by ClinVar (database versions not stated): ESP Exome Variant Server 0.00015; gnomAD exomes 0.00004 and 0.00005; ExAC 0.00007; gnomAD 0.00011; TOPMed 0.00014.
gnomAD v4.1: 73 of 1,614,192 alleles (0.0045%); highest among the groups gnomAD compares: African/African-American, 0.049%; no homozygotes.

Submissions (2):

Dasa
Classification: Uncertain significance. Last evaluated: 2026-03-09. Review status: criteria provided, single submitter. Criteria: DASA Assertion Criteria. Collection method: clinical testing. Allele origin: germline.
Comment: NM_152783.5(D2HGDH):c.685-8G>A is a splice-region variant. This variant is rare in population databases. Computational prediction algorithms are consistent with a benign effect. The currently available literature and clinical evidence are not sufficient to establish a definitive association between this variant and the reported condition. Therefore, this variant is classified as a variant of uncertain significance.

Genetic Services Laboratory, University of Chicago
Classification: Uncertain significance. Last evaluated: 2015-09-18. Review status: criteria provided, single submitter. Criteria: ACMG Guidelines, 2015. Collection method: clinical testing. Allele origin: germline. Affected: no.

NM_152783.5(D2HGDH):c.685-8G>A

Gene: D2HGDH (D-2-hydroxyglutarate dehydrogenase; plus strand). Cytogenetic location: 2q37.3.
Variant type: single nucleotide variant.
Coding change: c.685-8G>A on transcript NM_152783.5 (MANE Select); 8 bases into the intron before coding-DNA position 685, G replaced by A.
Molecular consequence: intron variant.
Genome position (GRCh38, 1-based): chr2:241,744,701, G>A. VCF-style: chr2-241744701-G-A. GRCh37 (hg19) VCF-style: chr2-242684116-G-A.
Other names: c.124-8G>A (NM_001352824.2); c.283-8G>A (NM_001287249.2).
Identifiers: ClinVar variation 434885 (VCV000434885.8), dbSNP rs369498498, ClinGen allele CA2221745.